The following is an entry in ClinVar:

ClinVar aggregate classification (germline): Pathogenic/Likely pathogenic. Review status: criteria provided, multiple submitters, no conflicts (2 of 4 stars). 3 submissions from 3 submitters: Pathogenic (1); Likely pathogenic (1). 1 of the submissions does not count toward it. Last evaluated 2022-10-27.

Conditions:
Sandhoff disease. Also called: Beta-hexosaminidase-beta-subunit deficiency; GM2 gangliosidosis, type 2; Total hexosaminidase deficiency; Sandhoff-Jatzkewitz-Pilz disease; GM2-GANGLIOSIDOSIS, TYPE II; HEXOSAMINIDASES A AND B DEFICIENCY. Identifiers: Orphanet 796, MedGen C0036161, MONDO:0010006, OMIM 268800.

Submissions (3):

Women's Health and Genetics/Laboratory Corporation of America, LabCorp
Classification: Likely pathogenic for Sandhoff disease. Last evaluated: 2022-10-27. Review status: criteria provided, single submitter. Criteria: LabCorp Variant Classification Summary - May 2015. Collection method: clinical testing. Allele origin: germline.
Comment: Variant summary: HEXB c.170G>A (p.Trp57X) results in a premature termination codon, predicted to cause a truncation of the encoded protein or absence of the protein due to nonsense mediated decay, which are commonly known mechanisms for disease. Truncations downstream of this position have been classified as pathogenic by our laboratory. The variant was absent in 225874 control chromosomes. c.170G>A has been reported in the literature in a homozygous patient with neurological disease (Charng_2016). To our knowledge, no experimental evidence demonstrating an impact on protein function has been reported. One clinical diagnostic laboratory has submitted clinical-significance assessments for this variant to ClinVar after 2014 without evidence for independent evaluation. One laboratory classified the variant as pathogenic. Based on the evidence outlined above, the variant was classified as likely pathogenic.

Labcorp Genetics (formerly Invitae), Labcorp
Classification: Pathogenic for Sandhoff disease. Last evaluated: 2022-09-23. Review status: criteria provided, single submitter. Criteria: Invitae Variant Classification Sherloc (09022015). Collection method: clinical testing. Allele origin: germline.
Comment: This sequence change creates a premature translational stop signal (p.Trp57*) in the HEXB gene. It is expected to result in an absent or disrupted protein product. Loss-of-function variants in HEXB are known to be pathogenic (PMID: 7550345, 18758829). This variant is not present in population databases (gnomAD no frequency). This premature translational stop signal has been observed in individual(s) with HEXB-related conditions (PMID: 27435318). ClinVar contains an entry for this variant (Variation ID: 242876). For these reasons, this variant has been classified as Pathogenic.

Lupski Lab, Baylor-Hopkins CMG, Baylor College of Medicine
Classification: Pathogenic for Sandhoff disease. Last evaluated: 2016-01-10. Review status: no assertion criteria provided. Collection method: research. Allele origin: inherited. Inheritance: Autosomal recessive inheritance. Affected: yes. Observed: 1 variant allele, 1 homozygote. Study: The combination of WES, CNV-derived from WES, paralog studies, and GeneMatcher provide potential molecular diagnosis in a cohort from Saudi Arabia. Not counted in ClinVar's aggregate classification.

Literature cited by the submitters: PubMed 27435318 (cited by Women's Health and Genetics/Laboratory Corporation of America, LabCorp and Labcorp Genetics (formerly Invitae), Labcorp); PubMed 7550345 (cited by Labcorp Genetics (formerly Invitae), Labcorp); PubMed 18758829 (cited by Labcorp Genetics (formerly Invitae), Labcorp).

NM_000521.4(HEXB):c.170G>A (p.Trp57Ter)

Gene: HEXB (hexosaminidase subunit beta; plus strand). Cytogenetic location: 5q13.3.
Variant type: single nucleotide variant.
Coding change: c.170G>A on transcript NM_000521.4 (MANE Select); coding-DNA position 170, G replaced by A.
Protein change: p.Trp57Ter; replaces tryptophan 57 with a stop codon.
Molecular consequence: nonsense. On other transcripts: intron variant (1).
Genome position (GRCh38, 1-based): chr5:74,685,430, G>A. VCF-style: chr5-74685430-G-A. GRCh37 (hg19) VCF-style: chr5-73981255-G-A.
Other names: c.-376-3898G>A (NM_001292004.2); short protein forms W57*.
Identifiers: ClinVar variation 242876 (VCV000242876.6), dbSNP rs1114167287, ClinGen allele CA360062267.